The following is an entry in ClinVar:

NM_207122.2(EXT2):c.1776G>A (p.Met592Ile)

Gene: EXT2 (exostosin glycosyltransferase 2; plus strand). Cytogenetic location: 11p11.2.
Variant type: single nucleotide variant.
Coding change: c.1776G>A on transcript NM_207122.2 (MANE Select); coding-DNA position 1776, G replaced by A.
Protein change: p.Met592Ile; replaces methionine 592 with isoleucine.
Molecular consequence: missense variant.
Genome position (GRCh38, 1-based): chr11:44,232,466, G>A. VCF-style: chr11-44232466-G-A. GRCh37 (hg19) VCF-style: chr11-44254016-G-A.
Other names: c.1875G>A, p.Met625Ile (NM_000401.3); c.1806G>A, p.Met602Ile (NM_001178083.3); c.1776G>A, p.Met592Ile (NM_001389628.1, NM_001389630.1); short protein forms M602I, M625I, M592I.
Identifiers: ClinVar variation 2741536 (VCV002741536.3), dbSNP rs1481926394, ClinGen allele CA380183063.
Genomic context (GRCh38, chr11:44,232,466, plus strand): 5'-CTGGGACCATGAGATGAATAAGTGGAAGTATGAGTCTGAGTGGACGAATGAAGTGTCCAT[G>A]GTGCTCACTGGGGCAGCTTTTTATCACAAGGTAAGGGGGCGCAGTCCTGGCAAGGTGACA-3'
Protein context (NP_997005.1, residues 582-602): YESEWTNEVS[Met592Ile]VLTGAAFYHK

ClinVar aggregate classification (germline): Uncertain significance (1 of 4 stars; one submission).

Conditions:
Exostoses, multiple, type 2 (EXT2). Also called: Hereditary Multiple Osteochondromatosis, Type II; EXOSTOSES, MULTIPLE, TYPE II. Identifiers: Orphanet 321, MedGen C1851413, MONDO:0007586, OMIM 133701.

Allele frequency attached by ClinVar (database versions not stated): gnomAD exomes 0.00001.
gnomAD v4.1: 13 of 1,614,014 alleles (0.00081%); highest among the groups gnomAD compares: Non-Finnish European, 0.0011%; no homozygotes.

Submission:

Labcorp Genetics (formerly Invitae), Labcorp
Classification: Uncertain significance for Exostoses, multiple, type 2. Last evaluated: 2025-08-18. Review status: criteria provided, single submitter. Criteria: Invitae Variant Classification Sherloc (09022015). Collection method: clinical testing. Allele origin: germline.
Comment: This sequence change replaces methionine, which is neutral and non-polar, with isoleucine, which is neutral and non-polar, at codon 592 of the EXT2 protein (p.Met592Ile). This variant is present in population databases (no rsID available, gnomAD 0.0009%). This variant has not been reported in the literature in individuals affected with EXT2-related conditions. ClinVar contains an entry for this variant (Variation ID: 2741536). Invitae Evidence Modeling of protein sequence and biophysical properties (such as structural, functional, and spatial information, amino acid conservation, physicochemical variation, residue mobility, and thermodynamic stability) indicates that this missense variant is not expected to disrupt EXT2 protein function with a negative predictive value of 95%. In summary, the available evidence is currently insufficient to determine the role of this variant in disease. Therefore, it has been classified as a Variant of Uncertain Significance.